The following is an entry in ClinVar:

NM_000466.3(PEX1):c.1415A>G (p.Gln472Arg)

Gene: PEX1 (peroxisomal biogenesis factor 1; minus strand). Cytogenetic location: 7q21.2.
Variant type: single nucleotide variant.
Coding change: c.1415A>G on transcript NM_000466.3 (MANE Select); coding-DNA position 1415, A replaced by G.
Protein change: p.Gln472Arg; replaces glutamine 472 with arginine.
Molecular consequence: missense variant.
Genome position (GRCh38, 1-based): chr7:92,511,648, T>C on the plus strand (A>G on the coding strand, the complement: PEX1 is on the minus strand). VCF-style: chr7-92511648-T-C. GRCh37 (hg19) VCF-style: chr7-92140962-T-C.
Other names: c.1415A>G, p.Gln472Arg (NM_001282677.2); c.791A>G, p.Gln264Arg (NM_001282678.2); short protein forms Q264R, Q472R.
Identifiers: ClinVar variation 1714490 (VCV001714490.5), dbSNP rs2484687643, ClinGen allele CA368191064.
Genomic context (GRCh38, chr7:92,511,648, plus strand): 5'-GTTTCCAGCTTAATAAATTCTTCCTCTGATATTACCAAAGGAAGCATGGTGGTAGTAGAC[T>C]GCTGTAGCCATGAATAAAATACAGTTTTTATGTCTTCTTCACTTATGTCTTTAGGCTGCC-3'
Protein context (NP_000457.1, residues 462-482): IKTVFYSWLQ[Gln472Arg]STTTMLPLVI

ClinVar aggregate classification (germline): Uncertain significance (1 of 4 stars; one submission).

Conditions:
Zellweger spectrum disorders (ZS). Also called: Zellweger syndrome; Zellweger Spectrum Disorder; Zellweger Spectrum; Zellweger Spectrum Disorder (ZSD). Identifiers: Orphanet 912, MedGen C0043459, MONDO:0019609.

Submission:

Labcorp Genetics (formerly Invitae), Labcorp
Classification: Uncertain significance for Zellweger spectrum disorders. Last evaluated: 2022-07-30. Review status: criteria provided, single submitter. Criteria: Invitae Variant Classification Sherloc (09022015). Collection method: clinical testing. Allele origin: germline.
Comment: This variant has not been reported in the literature in individuals affected with PEX1-related conditions. In summary, the available evidence is currently insufficient to determine the role of this variant in disease. Therefore, it has been classified as a Variant of Uncertain Significance. Advanced modeling of protein sequence and biophysical properties (such as structural, functional, and spatial information, amino acid conservation, physicochemical variation, residue mobility, and thermodynamic stability) performed at Invitae indicates that this missense variant is not expected to disrupt PEX1 protein function. This variant is not present in population databases (gnomAD no frequency). This sequence change replaces glutamine, which is neutral and polar, with arginine, which is basic and polar, at codon 472 of the PEX1 protein (p.Gln472Arg).